The following is an entry in ClinVar:

ClinVar aggregate classification (germline): Benign/Likely benign. Review status: criteria provided, multiple submitters, no conflicts (2 of 4 stars). 8 submissions from 8 submitters: Benign (4); Likely benign (4). Last evaluated 2026-01-12.

Conditions:
Hereditary spastic paraplegia. Also called: Familial spastic paraparesis. Identifiers: Orphanet 685, MedGen C0037773, MONDO:0019064. Disease mechanism: loss of function.
Hereditary spastic paraplegia 6 (SPG6). Also called: SPASTIC PARAPLEGIA 6, AUTOSOMAL DOMINANT. Identifiers: Orphanet 100988, MedGen C1838192, MONDO:0010878, OMIM 600363.

Submissions (8):

Labcorp Genetics (formerly Invitae), Labcorp
Classification: Likely benign for Hereditary spastic paraplegia 6. Last evaluated: 2026-01-12. Review status: criteria provided, single submitter. Criteria: Invitae Variant Classification Sherloc (09022015). Collection method: clinical testing. Allele origin: germline.

Blueprint Genetics
Classification: Likely benign. Last evaluated: 2024-11-27. Review status: criteria provided, single submitter. Criteria: ACMG Guidelines, 2015. Collection method: clinical testing. Allele origin: germline.

CeGaT Center for Human Genetics Tuebingen
Classification: Benign. Last evaluated: 2024-07-01. Review status: criteria provided, single submitter. Criteria: CeGaT Center For Human Genetics Tuebingen Variant Classification Criteria Version 2. Collection method: clinical testing. Allele origin: germline. Affected: yes. Observed: 14 variant alleles.
Comment: NIPA1: BS1, BS2

Mayo Clinic Laboratories, Mayo Clinic
Classification: Benign. Last evaluated: 2024-04-10. Review status: criteria provided, single submitter. Criteria: ACMG Guidelines, 2015. Collection method: clinical testing. Allele origin: germline. Observed: 18 variant alleles.

Genome Diagnostics Laboratory, The Hospital for Sick Children
Classification: Likely benign for Hereditary spastic paraplegia. Last evaluated: 2020-08-17. Review status: criteria provided, single submitter. Criteria: ACMG Guidelines, 2015. Collection method: clinical testing. Allele origin: germline. Affected: yes.

GeneDx
Classification: Benign. Last evaluated: 2019-12-30. Review status: criteria provided, single submitter. Criteria: GeneDx Variant Classification Process June 2021. Collection method: clinical testing. Allele origin: germline. Affected: yes.

Centre for Mendelian Genomics, University Medical Centre Ljubljana
Classification: Benign for Hereditary spastic paraplegia 6. Last evaluated: 2019-07-05. Review status: criteria provided, single submitter. Criteria: ACMG Guidelines, 2015. Collection method: clinical testing. Allele origin: unknown. Affected: yes.
Comment: This variant was classified as: Benign. The following ACMG criteria were applied in classifying this variant: BS1,BS2. This variant was detected in homozygous state.

Eurofins Ntd Llc (ga)
Classification: Likely benign. Last evaluated: 2018-04-10. Review status: criteria provided, single submitter. Criteria: EGL ClinVar v180209 classification definitions. Collection method: clinical testing. Allele origin: germline.

Literature cited by the submitters: PubMed 22378146 (cited by Eurofins Ntd Llc (ga)).

NM_144599.5(NIPA1):c.24GGC[9] (p.Ala16dup)

Genes: NIPA1 (NIPA magnesium transporter 1; plus strand), LOC130056709 (ATAC-STARR-seq lymphoblastoid silent region 6259; plus strand). Cytogenetic location: 15q11.2.
Variant type: Microsatellite.
Coding change: c.24GGC[9] on transcript NM_144599.5 (MANE Select); nine copies in a row of the 3-base unit GGC starting at c.24; the reference has eight copies in a row; one copy, 3 bases duplicated; also written c.45_47dup.
Protein change: p.Ala16dup; duplicates alanine 16.
Molecular consequence: inframe insertion. On other transcripts: intron variant (1).
Genome position (GRCh38, 1-based): chr15:22,786,701-22,786,703, GGC duplicated; duplicating any 3 consecutive bases within chr15:22,786,678-22,786,703 gives the same sequence; the position shown is the placement nearest the transcript's 3' end. VCF-style (leftmost placement, unchanged base first): chr15-22786677-A-AGCG. GRCh37 (hg19) VCF-style: chr15-23086364-G-GGCC.
Other names: p.Ala16dup; c.-48+430GCG[9] (NM_001142275.1); c.45_47dup (NM_144599.4, NM_144599.5).
Identifiers: ClinVar variation 241882 (VCV000241882.56), dbSNP rs531550505, ClinGen allele CA7426230.